The following is an entry in ClinVar:

ClinVar aggregate classification (germline): Pathogenic (1 of 4 stars; one submission).

Submission:

GeneDx
Classification: Pathogenic. Last evaluated: 2016-01-15. Review status: criteria provided, single submitter. Criteria: GeneDx Variant Classification (06012015). Collection method: clinical testing. Allele origin: germline. Affected: yes.
Comment: The c.216+1delG splice site pathogenic variant in the OTC gene destroys the canonical splice donor site in intron 2 and is expected to cause abnormal gene splicing. Although this variant has not been reported previously to our knowledge, we consider it to be pathogenic.

NM_000531.6(OTC):c.216+1del

Gene: OTC (ornithine transcarbamylase; plus strand). Cytogenetic location: Xp11.4.
Variant type: Deletion.
Coding change: c.216+1del on transcript NM_000531.6 (MANE Select); the canonical splice donor site of the intron after coding-DNA position 216, one base deleted (G; older notation c.216+1delG).
Molecular consequence: splice donor variant.
Genome position (GRCh38, 1-based): chrX:38,367,430, G deleted; the last of 2 consecutive G bases (chrX:38,367,429-38,367,430); deleting either gives the same sequence. VCF-style (leftmost placement, unchanged base first): chrX-38367428-AG-A. GRCh37 (hg19) VCF-style: chrX-38226681-AG-A.
Other names: c.216+1delG (NM_000531.5); c.216+1del (NM_001407092.1).
Identifiers: ClinVar variation 280295 (VCV000280295.2), dbSNP rs886041526, ClinGen allele CA10603589.